The following is an entry in ClinVar:

ClinVar aggregate classification (germline): Likely benign (1 of 4 stars; one submission).

Allele frequency attached by ClinVar (database versions not stated): gnomAD exomes below 0.00001.
gnomAD v4.1: 2 of 1,613,978 alleles (0.00012%); highest among the groups gnomAD compares: Non-Finnish European, 0.00017%; no homozygotes.

Submission:

CeGaT Center for Human Genetics Tuebingen
Classification: Likely benign. Last evaluated: 2023-09-01. Review status: criteria provided, single submitter. Criteria: CeGaT Center For Human Genetics Tuebingen Variant Classification Criteria Version 2. Collection method: clinical testing. Allele origin: germline. Affected: yes. Observed: 1 variant allele.
Comment: MAST1: PM2:Supporting, BP4, BP7

NM_014975.3(MAST1):c.2976T>C (p.Asp992=)

Gene: MAST1 (microtubule associated serine/threonine kinase 1; plus strand). Cytogenetic location: 19p13.13.
Variant type: single nucleotide variant.
Coding change: c.2976T>C on transcript NM_014975.3 (MANE Select); coding-DNA position 2976, T replaced by C.
Protein change: p.Asp992=; no amino-acid change (aspartic acid 992 retained).
Molecular consequence: synonymous variant.
Genome position (GRCh38, 1-based): chr19:12,869,268, T>C. VCF-style: chr19-12869268-T-C. GRCh37 (hg19) VCF-style: chr19-12980082-T-C.
Identifiers: ClinVar variation 2649352 (VCV002649352.24), dbSNP rs2512541066, ClinGen allele CA505631225.
Genomic context (GRCh38, chr19:12,869,268, plus strand): 5'-CTCGGGCAAGAAGTATGGCTTCACACTGCGTGCCATCCGTGTCTACATGGGTGACACGGA[T>C]GTCTATAGTGTCCACCACATTGTCTGGGTGAGTACTCATGGGTGGAGTCTCCATCACAGA-3'
Protein context (NP_055790.1, residues 982-1002): RAIRVYMGDT[Asp992=]VYSVHHIVWH